The following is an entry in ClinVar:

NM_018026.4(PACS1):c.670C>T (p.His224Tyr)

Gene: PACS1 (phosphofurin acidic cluster sorting protein 1; plus strand). Cytogenetic location: 11q13.2.
Variant type: single nucleotide variant.
Coding change: c.670C>T on transcript NM_018026.4 (MANE Select); coding-DNA position 670, C replaced by T.
Protein change: p.His224Tyr; replaces histidine 224 with tyrosine.
Molecular consequence: missense variant.
Genome position (GRCh38, 1-based): chr11:66,216,128, C>T. VCF-style: chr11-66216128-C-T. GRCh37 (hg19) VCF-style: chr11-65983599-C-T.
Other names: short protein forms H224Y.
Identifiers: ClinVar variation 2099640 (VCV002099640.4), dbSNP rs2495549533, ClinGen allele CA381346983.
Genomic context (GRCh38, chr11:66,216,128, plus strand): 5'-CTCCAGGTGCCTCTGTAGTAACACGCCTCCACCACCTCCCCTGGCTCCTAGGTGATGCAG[C>T]ATCCTAATGAAGGCGCACTGGTGCTTGGCCTACACAGCAACGTGAAGGATGTCTCTGTGC-3'
Protein context (NP_060496.2, residues 214-234): GLINMAEVMQ[His224Tyr]PNEGALVLGL

ClinVar aggregate classification (germline): Uncertain significance (1 of 4 stars; one submission).

Conditions:
Schuurs-Hoeijmakers syndrome. Also called: PACS1-Related Neurodevelopmental Disorder. Identifiers: Orphanet 329224, MedGen C3554343, MONDO:0014006, OMIM 615009.

Submission:

Labcorp Genetics (formerly Invitae), Labcorp
Classification: Uncertain significance for Schuurs-Hoeijmakers syndrome. Last evaluated: 2022-02-19. Review status: criteria provided, single submitter. Criteria: Invitae Variant Classification Sherloc (09022015). Collection method: clinical testing. Allele origin: germline.
Comment: In summary, the available evidence is currently insufficient to determine the role of this variant in disease. Therefore, it has been classified as a Variant of Uncertain Significance. Algorithms developed to predict the effect of missense changes on protein structure and function are either unavailable or do not agree on the potential impact of this missense change (SIFT: "Tolerated"; PolyPhen-2: "Possibly Damaging"; Align-GVGD: "Class C0"). This variant has not been reported in the literature in individuals affected with PACS1-related conditions. This variant is not present in population databases (gnomAD no frequency). This sequence change replaces histidine, which is basic and polar, with tyrosine, which is neutral and polar, at codon 224 of the PACS1 protein (p.His224Tyr).